The following is an entry in ClinVar:

ClinVar aggregate classification (germline): Uncertain significance (1 of 4 stars; one submission).

Submission:

Ambry Genetics
Classification: Uncertain significance. Last evaluated: 2025-08-14. Review status: criteria provided, single submitter. Criteria: Ambry Variant Classification Scheme 2023. Collection method: clinical testing. Allele origin: germline.
Comment: The p.Y566F variant (also known as c.1697A>T), located in coding exon 18 of the SRP72 gene, results from an A to T substitution at nucleotide position 1697. The tyrosine at codon 566 is replaced by phenylalanine, an amino acid with highly similar properties. This amino acid position is conserved. In addition, the in silico prediction for this alteration is inconclusive. Based on the available evidence, the clinical significance of this variant remains unclear.

NM_006947.4(SRP72):c.1697A>T (p.Tyr566Phe)

Gene: SRP72 (signal recognition particle 72; plus strand). Cytogenetic location: 4q12.
Variant type: single nucleotide variant.
Coding change: c.1697A>T on transcript NM_006947.4 (MANE Select); coding-DNA position 1697, A replaced by T.
Protein change: p.Tyr566Phe; replaces tyrosine 566 with phenylalanine.
Molecular consequence: missense variant. On other transcripts: non-coding transcript variant (1).
Genome position (GRCh38, 1-based): chr4:56,500,554, A>T. VCF-style: chr4-56500554-A-T. GRCh37 (hg19) VCF-style: chr4-57366720-A-T.
Other names: c.1514A>T, p.Tyr505Phe (NM_001267722.2); short protein forms Y566F, Y505F.
Identifiers: ClinVar variation 4174967 (VCV004174967.1).
Genomic context (GRCh38, chr4:56,500,554, plus strand): 5'-ATATTATGACACATCTCTCATTTCTTTATAATCGTTATGCAGGAAAATTGCCTAAGAATT[A>T]TGACCCAAAAGTTACCCCAGATCCAGAAAGATGGCTGCCAATGCGAGAACGTTCTTACTA-3'
Protein context (NP_008878.3, residues 556-576): KKKKGKLPKN[Tyr566Phe]DPKVTPDPER